The following is an entry in ClinVar:

NM_000548.5(TSC2):c.5187C>T (p.Arg1729=)

Gene: TSC2 (TSC complex subunit 2; plus strand). Cytogenetic location: 16p13.3.
Variant type: single nucleotide variant.
Coding change: c.5187C>T on transcript NM_000548.5 (MANE Select); coding-DNA position 5187, C replaced by T.
Protein change: p.Arg1729=; no amino-acid change (arginine 1729 retained).
Molecular consequence: synonymous variant.
Genome position (GRCh38, 1-based): chr16:2,088,253, C>T. VCF-style: chr16-2088253-C-T. GRCh37 (hg19) VCF-style: chr16-2138254-C-T.
Other names: c.5187C>T (NM_000548.3); c.4986C>T, p.Arg1662= (NM_001077183.3); c.5118C>T, p.Arg1706= (NM_001114382.3); c.4878C>T, p.Arg1626= (NM_001318827.2); c.4842C>T, p.Arg1614= (NM_001318829.2); c.4455C>T, p.Arg1485= (NM_001318831.2); c.5019C>T, p.Arg1673= (NM_001318832.2); c.4989C>T, p.Arg1663= (NM_001363528.2); and 3 more.
Identifiers: ClinVar variation 1634979 (VCV001634979.12), dbSNP rs2091133958, ClinGen allele CA493043749.

ClinVar aggregate classification (germline): Benign/Likely benign. Review status: criteria provided, multiple submitters, no conflicts (2 of 4 stars). 4 submissions from 4 submitters: Benign (1); Likely benign (3). Last evaluated 2026-01-26.

Conditions:
Hereditary cancer-predisposing syndrome. Also called: Tumor predisposition; Hereditary neoplastic syndrome; Neoplastic Syndromes, Hereditary; Hereditary Cancer Syndrome. Identifiers: Orphanet 140162, MedGen C0027672, MeSH D009386, MONDO:0015356.
Tuberous sclerosis 2 (TSC2). Identifiers: Orphanet 805, MedGen C1860707, MONDO:0013199, OMIM 613254.

gnomAD v4.1: 5 of 1,598,226 alleles (0.00031%); highest among the groups gnomAD compares: Non-Finnish European, 0.00026%; no homozygotes.

Submissions (4):

Women's Health and Genetics/Laboratory Corporation of America, LabCorp
Classification: Likely benign. Last evaluated: 2026-01-26. Review status: criteria provided, single submitter. Criteria: LabCorp Variant Classification Summary - May 2015. Collection method: clinical testing. Allele origin: germline.

Myriad Genetics, Inc.
Classification: Benign for Tuberous sclerosis 2. Last evaluated: 2025-06-06. Review status: criteria provided, single submitter. Criteria: Myriad Autosomal Dominant, Autosomal Recessive and X-Linked Classification Criteria (2023). Collection method: clinical testing. Allele origin: unknown.
Comment: This variant is considered benign. This variant is a silent/synonymous amino acid change and it is not expected to impact splicing.

Labcorp Genetics (formerly Invitae), Labcorp
Classification: Likely benign for Tuberous sclerosis 2. Last evaluated: 2025-04-23. Review status: criteria provided, single submitter. Criteria: Invitae Variant Classification Sherloc (09022015). Collection method: clinical testing. Allele origin: germline.

Ambry Genetics
Classification: Likely benign for Hereditary cancer-predisposing syndrome. Last evaluated: 2022-12-23. Review status: criteria provided, single submitter. Criteria: Ambry Variant Classification Scheme 2023. Collection method: clinical testing. Allele origin: germline.